The following is an entry in ClinVar:

NM_015338.6(ASXL1):c.4274T>G (p.Leu1425Arg)

Gene: ASXL1 (ASXL transcriptional regulator 1; plus strand). Cytogenetic location: 20q11.21.
Variant type: single nucleotide variant.
Coding change: c.4274T>G on transcript NM_015338.6 (MANE Select); coding-DNA position 4274, T replaced by G.
Protein change: p.Leu1425Arg; replaces leucine 1425 with arginine.
Molecular consequence: missense variant.
Genome position (GRCh38, 1-based): chr20:32,436,986, T>G. VCF-style: chr20-32436986-T-G. GRCh37 (hg19) VCF-style: chr20-31024789-T-G.
Other names: c.4091T>G, p.Leu1364Arg (NM_001363734.1); short protein forms L1425R, L1364R.
Identifiers: ClinVar variation 3791262 (VCV003791262.1).
Genomic context (GRCh38, chr20:32,436,986, plus strand): 5'-TCATGGACTTGCCCTTCTGGAAATTACCCCGAGAGCCAGGGAAGGGGCTCAGTGAGCCTC[T>G]GGAGCCTTCTTCTCTCCCCTCCCAACTCAGCATCAAGCAGGCATTTTATGGGAAGCTTTC-3'
Protein context (NP_056153.2, residues 1415-1435): REPGKGLSEP[Leu1425Arg]EPSSLPSQLS

ClinVar aggregate classification (germline): Uncertain significance (1 of 4 stars; one submission).

Conditions:
Inborn genetic diseases. Identifiers: MedGen C0950123, MeSH D030342.

Submission:

Ambry Genetics
Classification: Uncertain significance for Inborn genetic diseases. Last evaluated: 2024-12-14. Review status: criteria provided, single submitter. Criteria: Ambry Variant Classification Scheme 2023. Collection method: clinical testing. Allele origin: germline.
Comment: The p.L1425R variant (also known as c.4274T>G), located in coding exon 13 of the ASXL1 gene, results from a T to G substitution at nucleotide position 4274. The leucine at codon 1425 is replaced by arginine, an amino acid with dissimilar properties. This amino acid position is conserved. In addition, the in silico prediction for this alteration is inconclusive. Based on the available evidence, the clinical significance of this variant remains unclear.